The following is an entry in ClinVar:

NM_000439.5(PCSK1):c.2214C>T (p.Asp738=)

Genes: CAST (calpastatin; plus strand), PCSK1 (proprotein convertase subtilisin/kexin type 1; minus strand), LOC101929710 (uncharacterized LOC101929710; plus strand). Cytogenetic location: 5q15.
Variant type: single nucleotide variant.
Coding change: c.2214C>T on transcript NM_000439.5 (MANE Select); coding-DNA position 2214, C replaced by T.
Protein change: p.Asp738=; no amino-acid change (aspartic acid 738 retained).
Molecular consequence: synonymous variant. On other transcripts: intron variant (11).
Genome position (GRCh38, 1-based): chr5:96,393,049, G>A on the plus strand (C>T on the coding strand, the complement: PCSK1 is on the minus strand). VCF-style: chr5-96393049-G-A. GRCh37 (hg19) VCF-style: chr5-95728753-G-A.
Other names: c.2073C>T, p.Asp691= (NM_001177875.2); c.-175+13397G>A (NM_001423254.1, NM_001423259.1, NM_001423255.1 and 6 more transcripts); c.-103+13397G>A (NM_001423253.1); c.-40+13397G>A (NM_001423258.1).
Identifiers: ClinVar variation 3033136 (VCV003033136.2), dbSNP rs150203772, ClinGen allele CA3350032.

ClinVar aggregate classification (germline): Likely benign (0 of 4 stars; one submission).

Conditions:
PCSK1-related disorder. Also called: PCSK1-related condition.

Allele frequency attached by ClinVar (database versions not stated): gnomAD exomes 0.00005; TOPMed 0.00030; gnomAD 0.00032; 1000 Genomes Project 30x 0.00062; ExAC 0.00011; ESP Exome Variant Server 0.00038; 1000 Genomes Project 0.00080.
gnomAD v4.1: 121 of 1,614,016 alleles (0.0075%); highest among the groups gnomAD compares: African/African-American, 0.1%; 1 homozygote.

Submission:

PreventionGenetics, part of Exact Sciences
Classification: Likely benign for PCSK1-related condition. Last evaluated: 2022-03-24. Review status: no assertion criteria provided. Collection method: clinical testing. Allele origin: germline.
Comment: This variant is classified as likely benign based on ACMG/AMP sequence variant interpretation guidelines (Richards et al. 2015 PMID: 25741868, with internal and published modifications).